The following is an entry in ClinVar:

ClinVar aggregate classification (germline): Benign/Likely benign. Review status: criteria provided, multiple submitters, no conflicts (2 of 4 stars). 4 submissions from 4 submitters: Benign (2); Likely benign (1). 1 of the submissions does not count toward it. Last evaluated 2026-05-01.

Conditions:
Lissencephaly 9 with complex brainstem malformation. Identifiers: Orphanet 572013, MedGen C5193029, MONDO:0032677, OMIM 618325.
MACF1-related disorder. Also called: MACF1-related condition.

Allele frequency attached by ClinVar (database versions not stated): gnomAD 0.00002 and 0.00026; ESP Exome Variant Server 0.00008; gnomAD exomes 0.00043 and 0.00102; ExAC 0.00114; 1000 Genomes Project 0.00180; 1000 Genomes Project 30x 0.00187.
gnomAD v4.1: 668 of 1,614,108 alleles (0.041%); highest among the groups gnomAD compares: South Asian, 0.68%; 5 homozygotes.

Submissions (4):

CeGaT Center for Human Genetics Tuebingen
Classification: Likely benign. Last evaluated: 2026-05-01. Review status: criteria provided, single submitter. Criteria: CeGaT Center For Human Genetics Tuebingen Variant Classification Criteria Version 2. Collection method: clinical testing. Allele origin: germline. Affected: yes. Observed: 3 variant alleles.
Comment: MACF1: BP4, BP7

Labcorp Genetics (formerly Invitae), Labcorp
Classification: Benign. Last evaluated: 2025-08-11. Review status: criteria provided, single submitter. Criteria: Invitae Variant Classification Sherloc (09022015). Collection method: clinical testing. Allele origin: germline.

Genome-Nilou Lab
Classification: Benign for Lissencephaly 9 with complex brainstem malformation. Last evaluated: 2023-04-11. Review status: criteria provided, single submitter. Criteria: ACMG Guidelines, 2015. Collection method: clinical testing. Allele origin: germline. Affected: no.

PreventionGenetics, part of Exact Sciences
Classification: Likely benign for MACF1-related condition. Last evaluated: 2019-04-03. Review status: no assertion criteria provided. Collection method: clinical testing. Allele origin: germline. Not counted in ClinVar's aggregate classification.
Comment: This variant is classified as likely benign based on ACMG/AMP sequence variant interpretation guidelines (Richards et al. 2015 PMID: 25741868, with internal and published modifications).

NM_001394062.1(MACF1):c.11994A>G (p.Gln3998=)

Genes: MACF1 (microtubule actin crosslinking factor 1; plus strand), LOC126805711 (CDK7 strongly-dependent group 2 enhancer GRCh37_chr1:39824023-39825222; plus strand). Cytogenetic location: 1p34.3.
Variant type: single nucleotide variant.
Coding change: c.11994A>G on transcript NM_001394062.1 (MANE Select); coding-DNA position 11994, A replaced by G.
Protein change: p.Gln3998=; no amino-acid change (glutamine 3998 retained).
Molecular consequence: synonymous variant.
Genome position (GRCh38, 1-based): chr1:39,358,747, A>G. VCF-style: chr1-39358747-A-G. GRCh37 (hg19) VCF-style: chr1-39824419-A-G.
Other names: c.5808A>G, p.Gln1936= (NM_012090.5).
Identifiers: ClinVar variation 1701101 (VCV001701101.38), dbSNP rs148458151, ClinGen allele CA781711.